The following is an entry in ClinVar:

NC_000021.8:g.(?_46910169)_(46913509_?)del

Gene: COL18A1 (collagen type XVIII alpha 1 chain; plus strand). Cytogenetic location: 21q22.3.
Variant type: Deletion.
Identifiers: ClinVar variation 1412671 (VCV001412671.5).

ClinVar aggregate classification (germline): Uncertain significance (1 of 4 stars; one submission).

Submission:

Labcorp Genetics (formerly Invitae), Labcorp
Classification: Uncertain significance. Last evaluated: 2022-02-23. Review status: criteria provided, single submitter. Criteria: Invitae Variant Classification Sherloc (09022015). Collection method: clinical testing. Allele origin: germline.
Comment: In summary, the available evidence is currently insufficient to determine the role of this variant in disease. Therefore, it has been classified as a Variant of Uncertain Significance. Experimental studies and prediction algorithms are not available or were not evaluated, and the functional significance of this variant is currently unknown. This variant has not been reported in the literature in individuals affected with COL18A1-related conditions. This variant is a gross deletion of the genomic region encompassing exon(s) 20-26 of the COL18A1 gene. This variant would be expected to be in-frame, preserving the integrity of the reading frame.